The following is an entry in ClinVar:

NM_199420.4(POLQ):c.3076G>A (p.Ala1026Thr)

Gene: POLQ (DNA polymerase theta; minus strand). Cytogenetic location: 3q13.33.
Variant type: single nucleotide variant.
Coding change: c.3076G>A on transcript NM_199420.4 (MANE Select); coding-DNA position 3076, G replaced by A.
Protein change: p.Ala1026Thr; replaces alanine 1026 with threonine.
Molecular consequence: missense variant.
Genome position (GRCh38, 1-based): chr3:121,489,855, C>T on the plus strand (G>A on the coding strand, the complement: POLQ is on the minus strand). VCF-style: chr3-121489855-C-T. GRCh37 (hg19) VCF-style: chr3-121208702-C-T.
Other names: short protein forms A1026T.
Identifiers: ClinVar variation 2654063 (VCV002654063.24), dbSNP rs141772880, ClinGen allele CA2563129.

ClinVar aggregate classification (germline): Likely benign (1 of 4 stars; one submission).

Allele frequency attached by ClinVar (database versions not stated): ExAC 0.00001; ESP Exome Variant Server 0.00008.
gnomAD v4.1: 13 of 1,607,214 alleles (0.00081%); highest among the groups gnomAD compares: African/African-American, 0.0027%; no homozygotes.

Submission:

CeGaT Center for Human Genetics Tuebingen
Classification: Likely benign. Last evaluated: 2022-04-01. Review status: criteria provided, single submitter. Criteria: CeGaT Center For Human Genetics Tuebingen Variant Classification Criteria Version 2. Collection method: clinical testing. Allele origin: germline. Affected: yes. Observed: 1 variant allele.
Comment: POLQ: BP4